The following is an entry in ClinVar:

NM_001358530.2(MOCS1):c.358G>A (p.Asp120Asn)

Gene: MOCS1 (molybdenum cofactor synthesis 1; minus strand). Cytogenetic location: 6p21.2.
Variant type: single nucleotide variant.
Coding change: c.358G>A on transcript NM_001358530.2 (MANE Select); coding-DNA position 358, G replaced by A.
Protein change: p.Asp120Asn; replaces aspartic acid 120 with asparagine.
Molecular consequence: missense variant. On other transcripts: non-coding transcript variant (1).
Genome position (GRCh38, 1-based): chr6:39,925,738, C>T on the plus strand (G>A on the coding strand, the complement: MOCS1 is on the minus strand). VCF-style: chr6-39925738-C-T. GRCh37 (hg19) VCF-style: chr6-39893482-C-T.
Other names: c.358G>A (NM_001358530.1); c.358G>A, p.Asp120Asn (NM_001075098.4, NM_001358529.2, NM_005943.6); c.97G>A, p.Asp33Asn (NM_001358531.2, NM_001358533.2, NM_001358534.2); short protein forms D120N, D33N.
Identifiers: ClinVar variation 1020291 (VCV001020291.7), dbSNP rs368420298, ClinGen allele CA3796331.

ClinVar aggregate classification (germline): Uncertain significance. Review status: criteria provided, multiple submitters, no conflicts (2 of 4 stars). 3 submissions from 3 submitters: Uncertain significance (3). Last evaluated 2026-09-24.

Conditions:
MOCS1-related disorder. Also called: MOCS1-related condition.
Sulfite oxidase deficiency due to molybdenum cofactor deficiency type A. Also called: Molybdenum cofactor deficiency, complementation group A; Molybdenum Cofactor Deficiency A. Identifiers: Orphanet 308386, Orphanet 833, MedGen C1854988, MONDO:0009643, OMIM 252150.

Allele frequency attached by ClinVar (database versions not stated): ESP Exome Variant Server 0.00008.
gnomAD v4.1: 102 of 1,612,706 alleles (0.0063%); highest among the groups gnomAD compares: East Asian, 0.049%; no homozygotes.

Submissions (3):

PreventionGenetics, part of Exact Sciences
Classification: Uncertain significance for MOCS1-related condition. Last evaluated: 2026-09-24. Review status: criteria provided, single submitter. Criteria: ACMG Guidelines, 2015. Collection method: clinical testing. Allele origin: germline.
Comment: The MOCS1 c.358G>A variant is predicted to result in the amino acid substitution p.Asp120Asn. To our knowledge, this variant has not been reported in the literature. This variant is reported in 0.020% of alleles in individuals of East Asian descent in gnomAD. At this time, the clinical significance of this variant is uncertain due to the absence of conclusive functional and genetic evidence.

Labcorp Genetics (formerly Invitae), Labcorp
Classification: Uncertain significance for Sulfite oxidase deficiency due to molybdenum cofactor deficiency type A. Last evaluated: 2024-11-18. Review status: criteria provided, single submitter. Criteria: Invitae Variant Classification Sherloc (09022015). Collection method: clinical testing. Allele origin: germline.
Comment: This sequence change replaces aspartic acid, which is acidic and polar, with asparagine, which is neutral and polar, at codon 120 of the MOCS1 protein (p.Asp120Asn). This variant is present in population databases (rs368420298, gnomAD 0.02%). This variant has not been reported in the literature in individuals affected with MOCS1-related conditions. ClinVar contains an entry for this variant (Variation ID: 1020291). An algorithm developed to predict the effect of missense changes on protein structure and function (PolyPhen-2) suggests that this variant¬†is likely to be tolerated. In summary, the available evidence is currently insufficient to determine the role of this variant in disease. Therefore, it has been classified as a Variant of Uncertain Significance.

Blueprint Genetics
Classification: Uncertain significance. Last evaluated: 2024-03-08. Review status: criteria provided, single submitter. Criteria: ACMG Guidelines, 2015. Collection method: clinical testing. Allele origin: germline.